The following is an entry in ClinVar:

ClinVar aggregate classification (germline): Uncertain significance (1 of 4 stars; one submission).

Conditions:
MHC class II deficiency. Also called: BLS, TYPE II; Bare lymphocyte syndrome 2. Identifiers: Orphanet 572, MedGen C5447452, MONDO:0008855.

gnomAD v4.1: 2 of 1,608,082 alleles (0.00012%); highest among the groups gnomAD compares: African/African-American, 0.0027%; no homozygotes.

Submission:

Baylor Genetics
Classification: Uncertain significance for MHC class II deficiency 1. Last evaluated: 2018-03-08. Review status: criteria provided, single submitter. Criteria: ACMG Guidelines, 2015. Collection method: clinical testing. Allele origin: maternal. Affected: yes.
Comment: This variant was determined to be of uncertain significance according to ACMG Guidelines, 2015 [PMID:25741868].

NM_000246.4(CIITA):c.2377C>G (p.Leu793Val)

Gene: CIITA (class II major histocompatibility complex transactivator; plus strand). Cytogenetic location: 16p13.13.
Variant type: single nucleotide variant.
Coding change: c.2377C>G on transcript NM_000246.4 (MANE Select); coding-DNA position 2377, C replaced by G.
Protein change: p.Leu793Val; replaces leucine 793 with valine.
Molecular consequence: missense variant. On other transcripts: intron variant (1).
Genome position (GRCh38, 1-based): chr16:10,907,869, C>G. VCF-style: chr16-10907869-C-G. GRCh37 (hg19) VCF-style: chr16-11001726-C-G.
Other names: c.2308C>G, p.Leu770Val (NM_001379334.1); c.860-1114C>G (NM_001286403.2); c.2380C>G, p.Leu794Val (NM_001286402.1, NM_001379332.1); c.2233C>G, p.Leu745Val (NM_001379330.1); c.2230C>G, p.Leu744Val (NM_001379331.1); c.2377C>G, p.Leu793Val (NM_001379333.1); short protein forms L770V, L745V, L793V, L744V, L794V.
Identifiers: ClinVar variation 1031474 (VCV001031474.1), dbSNP rs34082539, ClinGen allele CA394733168.